The following is an entry in ClinVar:

NM_004525.3(LRP2):c.2977A>G (p.Asn993Asp)

Gene: LRP2 (LDL receptor related protein 2; minus strand). Cytogenetic location: 2q31.1.
Variant type: single nucleotide variant.
Coding change: c.2977A>G on transcript NM_004525.3 (MANE Select); coding-DNA position 2977, A replaced by G.
Protein change: p.Asn993Asp; replaces asparagine 993 with aspartic acid.
Molecular consequence: missense variant.
Genome position (GRCh38, 1-based): chr2:169,246,918, T>C on the plus strand (A>G on the coding strand, the complement: LRP2 is on the minus strand). VCF-style: chr2-169246918-T-C. GRCh37 (hg19) VCF-style: chr2-170103428-T-C.
Other names: short protein forms N993D.
Identifiers: ClinVar variation 1503738 (VCV001503738.6), dbSNP rs968447024, ClinGen allele CA59919279.

ClinVar aggregate classification (germline): Uncertain significance (1 of 4 stars; one submission).

Submission:

Labcorp Genetics (formerly Invitae), Labcorp
Classification: Uncertain significance. Last evaluated: 2023-12-07. Review status: criteria provided, single submitter. Criteria: Invitae Variant Classification Sherloc (09022015). Collection method: clinical testing. Allele origin: germline.
Comment: This sequence change replaces asparagine, which is neutral and polar, with aspartic acid, which is acidic and polar, at codon 993 of the LRP2 protein (p.Asn993Asp). This variant is not present in population databases (gnomAD no frequency). This variant has not been reported in the literature in individuals affected with LRP2-related conditions. ClinVar contains an entry for this variant (Variation ID: 1503738). Advanced modeling of protein sequence and biophysical properties (such as structural, functional, and spatial information, amino acid conservation, physicochemical variation, residue mobility, and thermodynamic stability) performed at Invitae indicates that this missense variant is not expected to disrupt LRP2 protein function with a negative predictive value of 80%. In summary, the available evidence is currently insufficient to determine the role of this variant in disease. Therefore, it has been classified as a Variant of Uncertain Significance.